The following is an entry in ClinVar:

ClinVar aggregate classification (germline): Uncertain significance (1 of 4 stars; one submission).

Conditions:
Primary ciliary dyskinesia. Also called: Ciliary dyskinesia. Identifiers: Orphanet 244, MedGen C0008780, MONDO:0016575, HP:0012265.

gnomAD v4.1: 2 of 1,610,100 alleles (0.00012%); highest among the groups gnomAD compares: African/African-American, 0.0027%; no homozygotes.

Submission:

Labcorp Genetics (formerly Invitae), Labcorp
Classification: Uncertain significance for Primary ciliary dyskinesia. Last evaluated: 2022-10-27. Review status: criteria provided, single submitter. Criteria: Invitae Variant Classification Sherloc (09022015). Collection method: clinical testing. Allele origin: germline.
Comment: This variant has not been reported in the literature in individuals affected with DNAH11-related conditions. In summary, the available evidence is currently insufficient to determine the role of this variant in disease. Therefore, it has been classified as a Variant of Uncertain Significance. Advanced modeling of protein sequence and biophysical properties (such as structural, functional, and spatial information, amino acid conservation, physicochemical variation, residue mobility, and thermodynamic stability) performed at Invitae indicates that this missense variant is not expected to disrupt DNAH11 protein function. This variant is not present in population databases (gnomAD no frequency). This sequence change replaces asparagine, which is neutral and polar, with threonine, which is neutral and polar, at codon 2822 of the DNAH11 protein (p.Asn2822Thr).

NM_001277115.2(DNAH11):c.8465A>C (p.Asn2822Thr)

Gene: DNAH11 (dynein axonemal heavy chain 11; plus strand). Cytogenetic location: 7p15.3.
Variant type: single nucleotide variant.
Coding change: c.8465A>C on transcript NM_001277115.2 (MANE Select); coding-DNA position 8465, A replaced by C.
Protein change: p.Asn2822Thr; replaces asparagine 2822 with threonine.
Molecular consequence: missense variant.
Genome position (GRCh38, 1-based): chr7:21,745,018, A>C. VCF-style: chr7-21745018-A-C. GRCh37 (hg19) VCF-style: chr7-21784636-A-C.
Other names: c.8486A>C, p.Asn2829Thr (NM_003777.3); short protein forms N2829T, N2822T.
Identifiers: ClinVar variation 2731618 (VCV002731618.3), dbSNP rs1236453383, ClinGen allele CA366954319.